The following is an entry in ClinVar:

NM_000384.3(APOB):c.7659G>A (p.Trp2553Ter)

Gene: APOB (apolipoprotein B; minus strand). Cytogenetic location: 2p24.1.
Variant type: single nucleotide variant.
Coding change: c.7659G>A on transcript NM_000384.3 (MANE Select); coding-DNA position 7659, G replaced by A.
Protein change: p.Trp2553Ter; replaces tryptophan 2553 with a stop codon.
Molecular consequence: nonsense.
Genome position (GRCh38, 1-based): chr2:21,009,209, C>T on the plus strand (G>A on the coding strand, the complement: APOB is on the minus strand). VCF-style: chr2-21009209-C-T. GRCh37 (hg19) VCF-style: chr2-21232081-C-T.
Other names: short protein forms W2553*.
Identifiers: ClinVar variation 2692513 (VCV002692513.1), dbSNP rs2465368367, ClinGen allele CA345996585.

ClinVar aggregate classification (germline): Likely pathogenic (1 of 4 stars; one submission).

Conditions:
Familial hypercholesterolemia. Also called: Familial hypercholesterolaemia. Identifiers: MedGen C0020445, MONDO:0005439.

Submission:

Greenwood Genetic Center Diagnostic Laboratories, Greenwood Genetic Center
Classification: Likely pathogenic for Familial hypercholesterolemia. Last evaluated: 2023-12-19. Review status: criteria provided, single submitter. Criteria: ACMG Guidelines, 2015. Collection method: clinical testing. Allele origin: germline.
Comment: PVS1, PM2